The following is an entry in ClinVar:

NM_000482.4(APOA4):c.49G>A (p.Gly17Arg)

Gene: APOA4 (apolipoprotein A4; minus strand). Cytogenetic location: 11q23.3.
Variant type: single nucleotide variant.
Coding change: c.49G>A on transcript NM_000482.4 (MANE Select); coding-DNA position 49, G replaced by A.
Protein change: p.Gly17Arg; replaces glycine 17 with arginine.
Molecular consequence: missense variant.
Genome position (GRCh38, 1-based): chr11:116,823,143, C>T on the plus strand (G>A on the coding strand, the complement: APOA4 is on the minus strand). VCF-style: chr11-116823143-C-T. GRCh37 (hg19) VCF-style: chr11-116693859-C-T.
Other names: short protein forms G17R.
Identifiers: ClinVar variation 4776509 (VCV004776509.1).

ClinVar aggregate classification (germline): Uncertain significance (1 of 4 stars; one submission).

Submission:

Labcorp Genetics (formerly Invitae), Labcorp
Classification: Uncertain significance. Last evaluated: 2025-09-21. Review status: criteria provided, single submitter. Criteria: Invitae Variant Classification Sherloc (09022015). Collection method: clinical testing. Allele origin: germline.
Comment: This sequence change replaces glycine, which is neutral and non-polar, with arginine, which is basic and polar, at codon 17 of the APOA4 protein (p.Gly17Arg). This variant also falls at the last nucleotide of exon 1, which is part of the consensus splice site for this exon. This variant is present in population databases (rs763972330, gnomAD 0.007%). This missense change has been observed in individual(s) with suspected genetic dyslipidemia (PMID: 36325899). Experimental studies and prediction algorithms are not available or were not evaluated, and the functional significance of this variant is currently unknown. Variants that disrupt the consensus splice site are a relatively common cause of aberrant splicing (PMID: 17576681, 9536098). Algorithms developed to predict the effect of sequence changes on RNA splicing suggest that this variant may disrupt the consensus splice site. In summary, the available evidence is currently insufficient to determine the role of this variant in disease. Therefore, it has been classified as a Variant of Uncertain Significance.

Literature cited by the submitters: PubMed 36325899; PubMed 17576681; PubMed 9536098.